The following is an entry in ClinVar:

ClinVar aggregate classification (germline): Uncertain significance (1 of 4 stars; one submission).

Conditions:
Hereditary cancer-predisposing syndrome. Also called: Tumor predisposition; Neoplastic Syndromes, Hereditary; Hereditary neoplastic syndrome; Hereditary Cancer Syndrome. Identifiers: Orphanet 140162, MedGen C0027672, MeSH D009386, MONDO:0015356.

Submission:

Ambry Genetics
Classification: Uncertain significance for Hereditary cancer-predisposing syndrome. Last evaluated: 2025-08-27. Review status: criteria provided, single submitter. Criteria: Ambry Variant Classification Scheme 2023. Collection method: clinical testing. Allele origin: germline.
Comment: The p.K520I variant (also known as c.1559A>T), located in coding exon 16 of the MUTYH gene, results from an A to T substitution at nucleotide position 1559. The lysine at codon 520 is replaced by isoleucine, an amino acid with dissimilar properties. This amino acid position is conserved. In addition, this alteration is predicted to be tolerated by in silico analysis. Based on the available evidence, the clinical significance of this variant remains unclear.

NM_001048174.2(MUTYH):c.1475A>T (p.Lys492Ile)

Gene: MUTYH (mutY DNA glycosylase; minus strand). Cytogenetic location: 1p34.1.
Variant type: single nucleotide variant.
Coding change: c.1475A>T on transcript NM_001048174.2 (MANE Select); coding-DNA position 1475, A replaced by T.
Protein change: p.Lys492Ile; replaces lysine 492 with isoleucine.
Molecular consequence: missense variant. On other transcripts: non-coding transcript variant (7).
Genome position (GRCh38, 1-based): chr1:45,329,397, T>A on the plus strand (A>T on the coding strand, the complement: MUTYH is on the minus strand). VCF-style: chr1-45329397-T-A. GRCh37 (hg19) VCF-style: chr1-45795069-T-A.
Other names: c.1475A>T, p.Lys492Ile (NM_001048171.2, NM_001048173.2, NM_001293195.2 and 6 more transcripts); c.1478A>T, p.Lys493Ile (NM_001048172.2, NM_001407086.1, NM_001407071.1 and 1 more transcripts); c.1559A>T, p.Lys520Ile (NM_001128425.2); c.1520A>T, p.Lys507Ile (NM_001293190.2); c.1508A>T, p.Lys503Ile (NM_001293191.2, NM_001407069.1, NM_001407077.1); c.1199A>T, p.Lys400Ile (NM_001293192.2, NM_001293196.2, NM_001407091.1); c.1130A>T, p.Lys377Ile (NM_001350650.2, NM_001350651.2, NM_001407082.1); c.1517A>T, p.Lys506Ile (NM_001407083.1, NM_001407085.1); and 5 more; short protein forms K400I, K506I, K520I, K479I, K492I, K499I, K377I, K493I.
Identifiers: ClinVar variation 4113360 (VCV004113360.1).